The following is an entry in ClinVar:

ClinVar aggregate classification (germline): Pathogenic (1 of 4 stars; one submission).

Conditions:
Leigh syndrome (NULS). Also called: Leigh's syndrome; Leigh Disease; LEIGH SYNDROME, NUCLEAR; Leigh's necrotizing encephalopathy; Leigh's disease; Leigh Syndrome (mtDNA deletion). Identifiers: Orphanet 506, MedGen C2931891, MONDO:0009723, OMIM 256000.

Submission:

Labcorp Genetics (formerly Invitae), Labcorp
Classification: Pathogenic for Leigh syndrome. Last evaluated: 2023-11-27. Review status: criteria provided, single submitter. Criteria: Invitae Variant Classification Sherloc (09022015). Collection method: clinical testing. Allele origin: germline.
Comment: This sequence change creates a premature translational stop signal (p.Pro255Leufs*13) in the SURF1 gene. While this is not anticipated to result in nonsense mediated decay, it is expected to disrupt the last 46 amino acid(s) of the SURF1 protein. This variant is not present in population databases (gnomAD no frequency). This variant has not been reported in the literature in individuals affected with SURF1-related conditions. This variant disrupts a region of the SURF1 protein in which other variant(s) (p.Ser282Cysfs*9) have been determined to be pathogenic (PMID: 9837813, 16326995, 18583168, 22488715, 23829769). This suggests that this is a clinically significant region of the protein, and that variants that disrupt it are likely to be disease-causing. For these reasons, this variant has been classified as Pathogenic.

Literature cited by the submitters: PubMed 9837813; PubMed 16326995; PubMed 18583168; PubMed 22488715; PubMed 23829769.

NM_003172.4(SURF1):c.764del (p.Pro255fs)

Gene: SURF1 (SURF1 cytochrome c oxidase assembly factor; minus strand). Cytogenetic location: 9q34.2.
Variant type: Deletion.
Coding change: c.764del on transcript NM_003172.4 (MANE Select); coding-DNA position 764, one base deleted (C; older notation c.764delC).
Protein change: p.Pro255fs; shifts the reading frame from proline 255.
Molecular consequence: frameshift variant.
Genome position (GRCh38, 1-based): chr9:133,352,130, G deleted on the plus strand (C on the coding strand, the reverse complement: SURF1 is on the minus strand); the first of 3 consecutive G bases (chr9:133,352,130-133,352,132); deleting any one gives the same sequence. VCF-style (leftmost placement, unchanged base first): chr9-133352129-AG-A. GRCh37 (hg19) VCF-style: chr9-136218984-AG-A.
Other names: c.437del, p.Pro146fs (NM_001280787.1); short protein forms P146fs, P255fs.
Identifiers: ClinVar variation 2816835 (VCV002816835.3), dbSNP rs2490613924, ClinGen allele CA2739265141.
Genomic context (GRCh38, chr9:133,352,129, plus strand): 5'-GATGTACTGCAGATGCTCGTTCCTCAGAGTAACTCTGGTTTGCCCTCCAATGGGTCCTCC[AG>A]GGACTGTGCTCTCTGTGGAGACAGCAGACTCAAGTCCACCCCCTACTGGCCTGCCAGCCT-3'